The following is an entry in ClinVar:

NM_001303256.3(MORC2):c.1018A>G (p.Ile340Val)

Gene: MORC2 (MORC family CW-type zinc finger 2; minus strand). Cytogenetic location: 22q12.2.
Variant type: single nucleotide variant.
Coding change: c.1018A>G on transcript NM_001303256.3 (MANE Select); coding-DNA position 1018, A replaced by G.
Protein change: p.Ile340Val; replaces isoleucine 340 with valine.
Molecular consequence: missense variant.
Genome position (GRCh38, 1-based): chr22:30,939,676, T>C on the plus strand (A>G on the coding strand, the complement: MORC2 is on the minus strand). VCF-style: chr22-30939676-T-C. GRCh37 (hg19) VCF-style: chr22-31335663-T-C.
Other names: c.1018A>G, p.Ile340Val (NM_001303257.2); c.832A>G, p.Ile278Val (NM_014941.3); short protein forms I278V, I340V.
Identifiers: ClinVar variation 662961 (VCV000662961.9), dbSNP rs1602487890, ClinGen allele CA411239836.

ClinVar aggregate classification (germline): Uncertain significance (1 of 4 stars; one submission).

Conditions:
Charcot-Marie-Tooth disease axonal type 2Z. Also called: CHARCOT-MARIE-TOOTH DISEASE, AXONAL, AUTOSOMAL DOMINANT, TYPE 2Z; CHARCOT-MARIE-TOOTH NEUROPATHY, TYPE 2Z. Identifiers: Orphanet 466768, MedGen C5569025, MONDO:0014736, OMIM 616688.

Submission:

Labcorp Genetics (formerly Invitae), Labcorp
Classification: Uncertain significance for Charcot-Marie-Tooth disease axonal type 2Z. Last evaluated: 2021-04-01. Review status: criteria provided, single submitter. Criteria: Invitae Variant Classification Sherloc (09022015). Collection method: clinical testing. Allele origin: germline.
Comment: In summary, the available evidence is currently insufficient to determine the role of this variant in disease. Therefore, it has been classified as a Variant of Uncertain Significance. This sequence change replaces isoleucine with valine at codon 340 of the MORC2 protein (p.Ile340Val). The isoleucine residue is moderately conserved and there is a small physicochemical difference between isoleucine and valine. This variant is not present in population databases (ExAC no frequency). This variant has not been reported in the literature in individuals with MORC2-related conditions. Algorithms developed to predict the effect of missense changes on protein structure and function (SIFT, PolyPhen-2, Align-GVGD) all suggest that this variant is likely to be tolerated, but these predictions have not been confirmed by published functional studies and their clinical significance is uncertain.